The following is an entry in ClinVar:

ClinVar aggregate classification (germline): Uncertain significance (1 of 4 stars; one submission).

Conditions:
CHARGE syndrome (CHARGE). Also called: Hittner Hirsch Kreh syndrome; CHARGE ASSOCIATION--COLOBOMA, HEART ANOMALY, CHOANAL ATRESIA, RETARDATION, GENITAL AND EAR ANOMALIES; Coloboma, heart anomaly, choanal atresia, retardation, genital and ear anomalies; CHARGE association; Hall-Hittner syndrome. Identifiers: Orphanet 138, MedGen C0265354, MONDO:0008965.

Submission:

Labcorp Genetics (formerly Invitae), Labcorp
Classification: Uncertain significance for CHARGE syndrome. Last evaluated: 2024-03-09. Review status: criteria provided, single submitter. Criteria: Invitae Variant Classification Sherloc (09022015). Collection method: clinical testing. Allele origin: germline.
Comment: This sequence change replaces glutamine, which is neutral and polar, with glutamic acid, which is acidic and polar, at codon 61 of the CHD7 protein (p.Gln61Glu). This variant is not present in population databases (gnomAD no frequency). This variant has not been reported in the literature in individuals affected with CHD7-related conditions. Advanced modeling of protein sequence and biophysical properties (such as structural, functional, and spatial information, amino acid conservation, physicochemical variation, residue mobility, and thermodynamic stability) performed at Invitae indicates that this missense variant is not expected to disrupt CHD7 protein function with a negative predictive value of 95%. In summary, the available evidence is currently insufficient to determine the role of this variant in disease. Therefore, it has been classified as a Variant of Uncertain Significance.

NM_017780.4(CHD7):c.181C>G (p.Gln61Glu)

Gene: CHD7 (chromodomain helicase DNA binding protein 7; plus strand). Cytogenetic location: 8q12.2.
Variant type: single nucleotide variant.
Coding change: c.181C>G on transcript NM_017780.4 (MANE Select); coding-DNA position 181, C replaced by G.
Protein change: p.Gln61Glu; replaces glutamine 61 with glutamic acid.
Molecular consequence: missense variant.
Genome position (GRCh38, 1-based): chr8:60,741,613, C>G. VCF-style: chr8-60741613-C-G. GRCh37 (hg19) VCF-style: chr8-61654172-C-G.
Other names: c.181C>G, p.Gln61Glu (NM_001316690.1); short protein forms Q61E.
Identifiers: ClinVar variation 3720724 (VCV003720724.2).